The following is an entry in ClinVar:

ClinVar aggregate classification (germline): Uncertain significance (1 of 4 stars; one submission).

Conditions:
Hypertrophic cardiomyopathy. Also called: HYPERTROPHIC MYOCARDIOPATHY. Identifiers: Orphanet 217569, MedGen C0007194, MeSH D002312, MONDO:0005045, HP:0001639.

Submission:

Labcorp Genetics (formerly Invitae), Labcorp
Classification: Uncertain significance for Hypertrophic cardiomyopathy. Last evaluated: 2022-08-07. Review status: criteria provided, single submitter. Criteria: Invitae Variant Classification Sherloc (09022015). Collection method: clinical testing. Allele origin: germline.
Comment: This sequence change replaces glutamic acid, which is acidic and polar, with glycine, which is neutral and non-polar, at codon 1349 of the MYH7 protein (p.Glu1349Gly). This variant is not present in population databases (gnomAD no frequency). This variant has not been reported in the literature in individuals affected with MYH7-related conditions. Algorithms developed to predict the effect of missense changes on protein structure and function are either unavailable or do not agree on the potential impact of this missense change (SIFT: "Deleterious"; PolyPhen-2: "Probably Damaging"; Align-GVGD: "Class C0"). In summary, the available evidence is currently insufficient to determine the role of this variant in disease. Therefore, it has been classified as a Variant of Uncertain Significance.

NM_000257.4(MYH7):c.4046A>G (p.Glu1349Gly)

Gene: MYH7 (myosin heavy chain 7; minus strand). Cytogenetic location: 14q11.2.
Variant type: single nucleotide variant.
Coding change: c.4046A>G on transcript NM_000257.4 (MANE Select); coding-DNA position 4046, A replaced by G.
Protein change: p.Glu1349Gly; replaces glutamic acid 1349 with glycine.
Molecular consequence: missense variant.
Genome position (GRCh38, 1-based): chr14:23,418,333, T>C on the plus strand (A>G on the coding strand, the complement: MYH7 is on the minus strand). VCF-style: chr14-23418333-T-C. GRCh37 (hg19) VCF-style: chr14-23887542-T-C.
Other names: c.4046A>G, p.Glu1349Gly (NM_001407004.1); short protein forms E1349G.
Identifiers: ClinVar variation 1714334 (VCV001714334.5), dbSNP rs2502256468, ClinGen allele CA389041118.